The following is an entry in ClinVar:

NM_014112.5(TRPS1):c.2641C>T (p.Gln881Ter)

Gene: TRPS1 (transcriptional repressor GATA binding 1; minus strand). Cytogenetic location: 8q23.3.
Variant type: single nucleotide variant.
Coding change: c.2641C>T on transcript NM_014112.5 (MANE Select); coding-DNA position 2641, C replaced by T.
Protein change: p.Gln881Ter; replaces glutamine 881 with a stop codon.
Molecular consequence: nonsense.
Genome position (GRCh38, 1-based): chr8:115,587,060, G>A on the plus strand (C>T on the coding strand, the complement: TRPS1 is on the minus strand). VCF-style: chr8-115587060-G-A. GRCh37 (hg19) VCF-style: chr8-116599287-G-A.
Other names: c.2614C>T, p.Gln872Ter (NM_001282902.3); c.2620C>T, p.Gln874Ter (NM_001282903.3); c.2602C>T, p.Gln868Ter (NM_001330599.2); short protein forms Q868*, Q881*, Q874*, Q872*.
Identifiers: ClinVar variation 655892 (VCV000655892.37), dbSNP rs1156330285, ClinGen allele CA372064702.

ClinVar aggregate classification (germline): Pathogenic. Review status: criteria provided, multiple submitters, no conflicts (2 of 4 stars). 2 submissions from 2 submitters: Pathogenic (2). Last evaluated 2022-04-01.

Conditions:
Trichorhinophalangeal syndrome, type III (TRPS3). Also called: SUGIO-KAJII SYNDROME. Identifiers: Orphanet 77258, MedGen C1860823, OMIM 190351, MONDO:0008597.
Trichorhinophalangeal dysplasia type I (TRPS1). Also called: TRICHORHINOPHALANGEAL SYNDROME, TYPE I; TRPS I. Identifiers: Orphanet 77258, MedGen C0432233, MONDO:0008596, OMIM 190350.

Submissions (2):

CeGaT Center for Human Genetics Tuebingen
Classification: Pathogenic. Last evaluated: 2022-04-01. Review status: criteria provided, single submitter. Criteria: CeGaT Center For Human Genetics Tuebingen Variant Classification Criteria Version 2. Collection method: clinical testing. Allele origin: germline. Affected: yes. Observed: 1 variant allele.
Comment: TRPS1: PVS1, PM2, PP1, PP4

Labcorp Genetics (formerly Invitae), Labcorp
Classification: Pathogenic for Trichorhinophalangeal syndrome, type III; Trichorhinophalangeal dysplasia type I. Last evaluated: 2018-07-08. Review status: criteria provided, single submitter. Criteria: Invitae Variant Classification Sherloc (09022015). Collection method: clinical testing. Allele origin: germline.
Comment: This sequence change creates a premature translational stop signal (p.Gln881*) in the TRPS1 gene. It is expected to result in an absent or disrupted protein product. This variant is not present in population databases (ExAC no frequency). This variant has not been reported in the literature in individuals with TRPS1-related disease. Loss-of-function variants in TRPS1 are known to be pathogenic (PMID: 11112658). For these reasons, this variant has been classified as Pathogenic.

Literature cited by the submitters: PubMed 11112658 (cited by Labcorp Genetics (formerly Invitae), Labcorp).